The following is an entry in ClinVar:

NM_144670.6(A2ML1):c.1734del (p.Glu578fs)

Gene: A2ML1 (alpha-2-macroglobulin like 1; plus strand). Cytogenetic location: 12p13.31.
Variant type: Deletion.
Coding change: c.1734del on transcript NM_144670.6 (MANE Select); coding-DNA position 1734, one base deleted (G; older notation c.1734delG).
Protein change: p.Glu578fs; shifts the reading frame from glutamic acid 578.
Molecular consequence: frameshift variant.
Genome position (GRCh38, 1-based): chr12:8,847,599, G deleted. VCF-style (leftmost placement, unchanged base first): chr12-8847598-AG-A. GRCh37 (hg19) VCF-style: chr12-9000194-AG-A.
Other names: c.261del, p.Glu87fs (NM_001282424.3); short protein forms E578fs, E87fs.
Identifiers: ClinVar variation 3713530 (VCV003713530.2).
Genomic context (GRCh38, chr12:8,847,598, plus strand): 5'-CCCTTCCCCAGGTTTCCCTTGGCTTCTCCCCCTCCCAGCAGCTTCCAGGAGCAGAAGTGG[AG>A]CTGCAGCTGCAGGCAGCTCCCGGATCCCTGTGTGCGCTCCGGGCGGTGGATGAGAGTGTC-3'

ClinVar aggregate classification (germline): Uncertain significance (1 of 4 stars; one submission).

Submission:

Labcorp Genetics (formerly Invitae), Labcorp
Classification: Uncertain significance. Last evaluated: 2024-12-12. Review status: criteria provided, single submitter. Criteria: Invitae Variant Classification Sherloc (09022015). Collection method: clinical testing. Allele origin: germline.
Comment: This sequence change creates a premature translational stop signal (p.Glu578Aspfs*30) in the A2ML1 gene. It is expected to result in an absent or disrupted protein product. However, the current clinical and genetic evidence is not sufficient to establish whether loss-of-function variants in A2ML1 cause disease. The frequency data for this variant in the population databases is considered unreliable, as metrics indicate poor data quality at this position in the gnomAD database. This variant has not been reported in the literature in individuals affected with A2ML1-related conditions. In summary, the available evidence is currently insufficient to determine the role of this variant in disease. Therefore, it has been classified as a Variant of Uncertain Significance.